The following is an entry in ClinVar:

NM_000320.3(QDPR):c.-24G>T

Genes: QDPR (quinoid dihydropteridine reductase; minus strand), LOC129992304 (ATAC-STARR-seq lymphoblastoid silent region 15310; plus strand). Cytogenetic location: 4p15.32.
Variant type: single nucleotide variant.
Coding change: c.-24G>T on transcript NM_000320.3 (MANE Select); 24 bases upstream of the start codon, G replaced by T.
Molecular consequence: 5 prime UTR variant. On other transcripts: non-coding transcript variant (1).
Genome position (GRCh38, 1-based): chr4:17,512,078, C>A on the plus strand (G>T on the coding strand, the complement: QDPR is on the minus strand). VCF-style: chr4-17512078-C-A. GRCh37 (hg19) VCF-style: chr4-17513701-C-A.
Other names: c.-24G>T (NM_001306140.2).
Identifiers: ClinVar variation 348162 (VCV000348162.5), dbSNP rs529698353, ClinGen allele CA2868279.

ClinVar aggregate classification (germline): Likely benign (1 of 4 stars; one submission).

Conditions:
Dihydropteridine reductase deficiency (HPABH4C). Also called: HYPERPHENYLALANINEMIA, TETRAHYDROBIOPTERIN-DEFICIENT, DUE TO DHPR DEFICIENCY; BH4-Deficient Hyperphenylalaninemia C; Hyperphenylalaninemia due to dihydropteridine reductase deficiency; Hyperphenylalaninemia, BH-4-deficient, C; Phenylketonuria type 2; DHPR DEFICIENCY. Identifiers: Orphanet 226, Orphanet 238583, MedGen C0268465, MONDO:0009862, OMIM 261630.

Allele frequency attached by ClinVar (database versions not stated): 1000 Genomes Project 30x 0.00390; TOPMed 0.00234; 1000 Genomes Project 0.00319.
gnomAD v4.1: 691 of 1,554,174 alleles (0.044%); highest among the groups gnomAD compares: African/African-American, 0.74%; 1 homozygote.

Submission:

Illumina Laboratory Services, Illumina
Classification: Likely benign for Dihydropteridine reductase deficiency. Last evaluated: 2018-01-13. Review status: criteria provided, single submitter. Criteria: ICSL Variant Classification Criteria 13 December 2019. Collection method: clinical testing. Allele origin: germline.
Comment: This variant was observed in the ICSL laboratory as part of a predisposition screen in an ostensibly healthy population. It had not been previously curated by ICSL or reported in the Human Gene Mutation Database (HGMD: prior to June 1st, 2018), and was therefore a candidate for classification through an automated scoring system. Utilizing variant allele frequency, disease prevalence and penetrance estimates, and inheritance mode, an automated score was calculated to assess if this variant is too frequent to cause the disease. Based on the score and internal cut-off values, a variant classified as likely benign is not then subjected to further curation. The score for this variant resulted in a classification of likely benign for this disease.